The following is an entry in ClinVar:

NM_015346.4(ZFYVE26):c.6035del (p.Leu2012fs)

Gene: ZFYVE26 (zinc finger FYVE-type containing 26; minus strand). Cytogenetic location: 14q24.1.
Variant type: Deletion.
Coding change: c.6035del on transcript NM_015346.4 (MANE Select); coding-DNA position 6035, one base deleted (T; older notation c.6035delT).
Protein change: p.Leu2012fs; shifts the reading frame from leucine 2012.
Molecular consequence: frameshift variant.
Genome position (GRCh38, 1-based): chr14:67,762,796, A deleted on the plus strand (T on the coding strand, the reverse complement: ZFYVE26 is on the minus strand). VCF-style (leftmost placement, unchanged base first): chr14-67762795-CA-C. GRCh37 (hg19) VCF-style: chr14-68229512-CA-C.
Other names: short protein forms L2012fs.
Identifiers: ClinVar variation 2770220 (VCV002770220.3), dbSNP rs2503969318, ClinGen allele CA2697554003.

ClinVar aggregate classification (germline): Pathogenic (1 of 4 stars; one submission).

Conditions:
Spastic paraplegia. Identifiers: MedGen C0037772, HP:0001258.

Submission:

Labcorp Genetics (formerly Invitae), Labcorp
Classification: Pathogenic for Spastic paraplegia. Last evaluated: 2023-10-20. Review status: criteria provided, single submitter. Criteria: Invitae Variant Classification Sherloc (09022015). Collection method: clinical testing. Allele origin: germline.
Comment: This sequence change creates a premature translational stop signal (p.Leu2012Argfs*4) in the ZFYVE26 gene. It is expected to result in an absent or disrupted protein product. Loss-of-function variants in ZFYVE26 are known to be pathogenic (PMID: 18394578, 19805727). This variant is not present in population databases (gnomAD no frequency). This variant has not been reported in the literature in individuals affected with ZFYVE26-related conditions. For these reasons, this variant has been classified as Pathogenic.

Literature cited by the submitters: PubMed 18394578; PubMed 19805727.